The following is an entry in ClinVar:

ClinVar aggregate classification (germline): Likely benign (1 of 4 stars; one submission).

Allele frequency attached by ClinVar (database versions not stated): 1000 Genomes Project 30x 0.00234; 1000 Genomes Project 0.00240; gnomAD 0.00287; TOPMed 0.00294.

Submission:

CeGaT Center for Human Genetics Tuebingen
Classification: Likely benign. Last evaluated: 2026-06-01. Review status: criteria provided, single submitter. Criteria: CeGaT Center For Human Genetics Tuebingen Variant Classification Criteria Version 2. Collection method: clinical testing. Allele origin: germline. Affected: yes. Observed: 11 variant alleles.
Comment: BBS2: BS2

NC_000016.10:g.56570676C>T

Gene: BBS2 (Bardet-Biedl syndrome 2; minus strand). Cytogenetic location: 16q13.
Variant type: single nucleotide variant.
Genome position: GRCh38 VCF-style: chr16-56570676-C-T. GRCh37 (hg19) VCF-style: chr16-56604588-C-T.
Identifiers: ClinVar variation 2646548 (VCV002646548.24), dbSNP rs367664661, ClinGen allele CA281477672.
Genomic context (GRCh38, chr16:56,570,676, plus strand): 5'-ATACCTTCCAGCGGACAGAACAGTCCCTTGTGCCTCCAGCAAGCAGGTTGGACACTCACC[C>T]TGCAACCTCGGCCTCGGTACCCACTGGGATGCCAACTCATCTCATCCAAATGCCTTTAGA-3'